The following is an entry in ClinVar:

ClinVar aggregate classification (germline): Uncertain significance (1 of 4 stars; one submission).

Conditions:
Brunner syndrome (BRNRS). Identifiers: Orphanet 3057, MedGen C0796275, MONDO:0010379, OMIM 300615.

Submission:

Labcorp Genetics (formerly Invitae), Labcorp
Classification: Uncertain significance for Brunner syndrome. Last evaluated: 2022-11-05. Review status: criteria provided, single submitter. Criteria: Invitae Variant Classification Sherloc (09022015). Collection method: clinical testing. Allele origin: germline.
Comment: In summary, the available evidence is currently insufficient to determine the role of this variant in disease. Therefore, it has been classified as a Variant of Uncertain Significance. Advanced modeling of protein sequence and biophysical properties (such as structural, functional, and spatial information, amino acid conservation, physicochemical variation, residue mobility, and thermodynamic stability) performed at Invitae indicates that this missense variant is expected to disrupt MAOA protein function. This variant has not been reported in the literature in individuals affected with MAOA-related conditions. This variant is not present in population databases (gnomAD no frequency). This sequence change replaces isoleucine, which is neutral and non-polar, with threonine, which is neutral and polar, at codon 19 of the MAOA protein (p.Ile19Thr).

NM_000240.4(MAOA):c.56T>C (p.Ile19Thr)

Gene: MAOA (monoamine oxidase A; plus strand). Cytogenetic location: Xp11.3.
Variant type: single nucleotide variant.
Coding change: c.56T>C on transcript NM_000240.4 (MANE Select); coding-DNA position 56, T replaced by C.
Protein change: p.Ile19Thr; replaces isoleucine 19 with threonine.
Molecular consequence: missense variant. On other transcripts: 5 prime UTR variant (1).
Genome position (GRCh38, 1-based): chrX:43,656,397, T>C. VCF-style: chrX-43656397-T-C. GRCh37 (hg19) VCF-style: chrX-43515645-T-C.
Other names: c.-452T>C (NM_001270458.2); short protein forms I19T.
Identifiers: ClinVar variation 2812238 (VCV002812238.3), dbSNP rs2519103647, ClinGen allele CA413004192.